The following is an entry in ClinVar:

ClinVar aggregate classification (germline): Uncertain significance (1 of 4 stars; one submission).

Allele frequency attached by ClinVar (database versions not stated): TOPMed below 0.00001; gnomAD 0.00001.
gnomAD v4.1: 1 of 1,611,612 alleles (0.000062%); highest among the groups gnomAD compares: Admixed American, 0.0017%; no homozygotes.

Submission:

Labcorp Genetics (formerly Invitae), Labcorp
Classification: Uncertain significance. Last evaluated: 2022-06-25. Review status: criteria provided, single submitter. Criteria: Invitae Variant Classification Sherloc (09022015). Collection method: clinical testing. Allele origin: germline.
Comment: In summary, the available evidence is currently insufficient to determine the role of this variant in disease. Therefore, it has been classified as a Variant of Uncertain Significance. Algorithms developed to predict the effect of missense changes on protein structure and function are either unavailable or do not agree on the potential impact of this missense change (SIFT: "Tolerated"; PolyPhen-2: "Probably Damaging"; Align-GVGD: "Class C0"). This variant has not been reported in the literature in individuals affected with ATP8A2-related conditions. This variant is not present in population databases (gnomAD no frequency). This sequence change replaces isoleucine, which is neutral and non-polar, with valine, which is neutral and non-polar, at codon 729 of the ATP8A2 protein (p.Ile729Val).

NM_016529.6(ATP8A2):c.2185A>G (p.Ile729Val)

Gene: ATP8A2 (ATPase phospholipid transporting 8A2). Cytogenetic location: 13q12.13.
Variant type: single nucleotide variant.
Coding change: c.2185A>G on transcript NM_016529.6 (MANE Select); coding-DNA position 2185, A replaced by G.
Protein change: p.Ile729Val; replaces isoleucine 729 with valine.
Molecular consequence: missense variant.
Genome position (GRCh38, 1-based): chr13:25,589,673, A>G. VCF-style: chr13-25589673-A-G. GRCh37 (hg19) VCF-style: chr13-26163811-A-G.
Other names: c.2065A>G, p.Ile689Val (NM_001313741.1); c.2185A>G, p.Ile729Val (NM_001411005.1, NM_001411006.1); short protein forms I729V, I689V.
Identifiers: ClinVar variation 1961509 (VCV001961509.5), dbSNP rs1411654252, ClinGen allele CA387615827.